The following is an entry in ClinVar:

ClinVar aggregate classification (germline): Benign/Likely benign. Review status: criteria provided, multiple submitters, no conflicts (2 of 4 stars). 7 submissions from 6 submitters: Benign (3); Likely benign (4). Last evaluated 2026-02-02.

Conditions:
Neu-Laxova syndrome 1 (NLS1). Identifiers: Orphanet 2671, Orphanet 583607, MedGen C4551478, MONDO:0009736, OMIM 256520. Disease mechanism: loss of function.
PHGDH deficiency. Identifiers: Orphanet 79351, MedGen C1866174, MONDO:0011152, OMIM 601815.

Allele frequency attached by ClinVar (database versions not stated): gnomAD exomes 0.00108 and 0.00283; ExAC 0.00357; 1000 Genomes Project 0.01138; gnomAD 0.01154 and 0.01251; 1000 Genomes Project 30x 0.01171; TOPMed 0.01303; ESP Exome Variant Server 0.01315.
gnomAD v4.1: 3,377 of 1,613,856 alleles (0.21%); highest among the groups gnomAD compares: African/African-American, 4.1%; 61 homozygotes.

Submissions (7):

Labcorp Genetics (formerly Invitae), Labcorp
Classification: Benign for PHGDH deficiency. Last evaluated: 2026-02-02. Review status: criteria provided, single submitter. Criteria: Invitae Variant Classification Sherloc (09022015). Collection method: clinical testing. Allele origin: germline.

Genome-Nilou Lab
Classification: Likely benign for Neu-Laxova syndrome 1. Last evaluated: 2023-04-11. Review status: criteria provided, single submitter. Criteria: ACMG Guidelines, 2015. Collection method: clinical testing. Allele origin: germline. Affected: no.

Genome-Nilou Lab
Classification: Likely benign for PHGDH deficiency. Last evaluated: 2023-04-11. Review status: criteria provided, single submitter. Criteria: ACMG Guidelines, 2015. Collection method: clinical testing. Allele origin: germline. Affected: no.

GeneDx
Classification: Likely benign. Last evaluated: 2021-04-05. Review status: criteria provided, single submitter. Criteria: GeneDx Variant Classification Process June 2021. Collection method: clinical testing. Allele origin: germline. Affected: yes.

Mayo Clinic Laboratories, Mayo Clinic
Classification: Benign. Last evaluated: 2019-06-05. Review status: criteria provided, single submitter. Criteria: ACMG Guidelines, 2015. Collection method: clinical testing. Allele origin: germline. Observed: 7 variant alleles.

Illumina Laboratory Services, Illumina
Classification: Benign for PHGDH deficiency. Last evaluated: 2018-01-12. Review status: criteria provided, single submitter. Criteria: ICSL Variant Classification Criteria 13 December 2019. Collection method: clinical testing. Allele origin: germline.
Comment: This variant was observed in the ICSL laboratory as part of a predisposition screen in an ostensibly healthy population. It had not been previously curated by ICSL or reported in the Human Gene Mutation Database (HGMD: prior to June 1st, 2018), and was therefore a candidate for classification through an automated scoring system. Utilizing variant allele frequency, disease prevalence and penetrance estimates, and inheritance mode, an automated score was calculated to assess if this variant is too frequent to cause the disease. Based on the score and internal cut-off values, a variant classified as benign is not then subjected to further curation. The score for this variant resulted in a classification of benign for this disease.

Breakthrough Genomics
Classification: Likely benign. Review status: criteria provided, single submitter. Criteria: ACMG Guidelines, 2015. Collection method: not provided. Allele origin: germline. Inheritance: Autosomal recessive inheritance. Affected: yes.

NM_006623.4(PHGDH):c.318C>T (p.Ala106=)

Gene: PHGDH (phosphoglycerate dehydrogenase; plus strand). Cytogenetic location: 1p12.
Variant type: single nucleotide variant.
Coding change: c.318C>T on transcript NM_006623.4 (MANE Select); coding-DNA position 318, C replaced by T.
Protein change: p.Ala106=; no amino-acid change (alanine 106 retained).
Molecular consequence: synonymous variant.
Genome position (GRCh38, 1-based): chr1:119,723,403, C>T. VCF-style: chr1-119723403-C-T. GRCh37 (hg19) VCF-style: chr1-120266026-C-T.
Other names: p.Ala106=.
Identifiers: ClinVar variation 292307 (VCV000292307.19), dbSNP rs115747918, ClinGen allele CA1037020.